The following is an entry in ClinVar:

NM_052947.4(ALPK2):c.5564T>C (p.Leu1855Pro)

Gene: ALPK2 (alpha kinase 2; minus strand). Cytogenetic location: 18q21.31.
Variant type: single nucleotide variant.
Coding change: c.5564T>C on transcript NM_052947.4 (MANE Select); coding-DNA position 5564, T replaced by C.
Protein change: p.Leu1855Pro; replaces leucine 1855 with proline.
Molecular consequence: missense variant.
Genome position (GRCh38, 1-based): chr18:58,524,000, A>G on the plus strand (T>C on the coding strand, the complement: ALPK2 is on the minus strand). VCF-style: chr18-58524000-A-G. GRCh37 (hg19) VCF-style: chr18-56191232-A-G.
Other names: short protein forms L1855P.
Identifiers: ClinVar variation 1748328 (VCV001748328.2), dbSNP rs1384253424, ClinGen allele CA402551588.
Genomic context (GRCh38, chr18:58,524,000, plus strand): 5'-GCTGTGAGGTTAAATTCAGCAGTCACTTTTCCGTAGCTGTTCTTGATGCAGCAGTAATAG[A>G]GTCCCTGGTCCTTCGGACTGGCTTGCACGATGGCAAAGGAAACAGTGGAGTTGTCCCCTG-3'
Protein context (NP_443179.3, residues 1845-1865): IVQASPKDQG[Leu1855Pro]YYCCIKNSYG

ClinVar aggregate classification (germline): Uncertain significance (1 of 4 stars; one submission).

Allele frequency attached by ClinVar (database versions not stated): TOPMed below 0.00001; gnomAD exomes 0.00001.
gnomAD v4.1: 9 of 1,614,174 alleles (0.00056%); highest among the groups gnomAD compares: African/African-American, 0.0013%; no homozygotes.

Submission:

Ambry Genetics
Classification: Uncertain significance. Last evaluated: 2022-09-28. Review status: criteria provided, single submitter. Criteria: Ambry Variant Classification Scheme 2023. Collection method: clinical testing. Allele origin: germline.
Comment: The p.L1855P variant (also known as c.5564T>C), located in coding exon 6 of the ALPK2 gene, results from a T to C substitution at nucleotide position 5564. The leucine at codon 1855 is replaced by proline, an amino acid with similar properties. This amino acid position is conserved. In addition, the in silico prediction for this alteration is inconclusive. Since supporting evidence is limited at this time, the clinical significance of this alteration remains unclear.